The following is an entry in ClinVar:

NM_001267550.2(TTN):c.91192del (p.Arg30398fs)

Genes: TTN-AS1 (TTN antisense RNA 1; plus strand), TTN (titin; minus strand). Cytogenetic location: 2q31.2.
Variant type: Deletion.
Coding change: c.91192del on transcript NM_001267550.2 (MANE Select); coding-DNA position 91192, one base deleted (C; older notation c.91192delC).
Protein change: p.Arg30398fs; shifts the reading frame from arginine 30398.
Molecular consequence: frameshift variant.
Genome position (GRCh38, 1-based): chr2:178,551,708, G deleted on the plus strand (C on the coding strand, the reverse complement: TTN is on the minus strand); the first of 2 consecutive G bases (chr2:178,551,708-178,551,709); deleting either gives the same sequence. VCF-style (leftmost placement, unchanged base first): chr2-178551707-CG-C. GRCh37 (hg19) VCF-style: chr2-179416434-CG-C.
Other names: c.86269del, p.Arg28757fs (NM_001256850.1); c.63997del, p.Arg21333fs (NM_003319.4); c.83488del, p.Arg27830fs (NM_133378.4); c.64372del, p.Arg21458fs (NM_133432.3); c.64573del, p.Arg21525fs (NM_133437.4); c.63997delC (NM_003319.4); short protein forms R21333fs, R27830fs, R30398fs, R21458fs, R28757fs, R21525fs.
Identifiers: ClinVar variation 1753259 (VCV001753259.8), dbSNP rs2469262451, ClinGen allele CA2580064563.

ClinVar aggregate classification (germline): Likely pathogenic. Review status: criteria provided, multiple submitters, no conflicts (2 of 4 stars). 2 submissions from 2 submitters: Likely pathogenic (2). Last evaluated 2026-01-26.

Conditions:
Cardiovascular phenotype. Identifiers: MedGen CN230736.
Dilated cardiomyopathy 1G (CMD1G). Identifiers: Orphanet 154, MedGen C1858763, MONDO:0011400, OMIM 604145.
Autosomal recessive limb-girdle muscular dystrophy type 2J (LGMDR10). Also called: Limb-girdle muscular dystrophy, type 2J; MUSCULAR DYSTROPHY, LIMB-GIRDLE, AUTOSOMAL RECESSIVE 10. Identifiers: Orphanet 140922, MedGen C1837342, MONDO:0012127, OMIM 608807.

Submissions (2):

Labcorp Genetics (formerly Invitae), Labcorp
Classification: Likely pathogenic for Dilated cardiomyopathy 1G; Autosomal recessive limb-girdle muscular dystrophy type 2J. Last evaluated: 2026-01-26. Review status: criteria provided, single submitter. Criteria: Invitae Variant Classification Sherloc (09022015). Collection method: clinical testing. Allele origin: germline.
Comment: This sequence change creates a premature translational stop signal (p.Arg30398Valfs*10) in the TTN gene. While this is not anticipated to result in nonsense mediated decay, it is expected to create a truncated TTN protein. This variant is not present in population databases (gnomAD no frequency). This variant has not been reported in the literature in individuals affected with TTN-related conditions. ClinVar contains an entry for this variant (Variation ID: 1753259). This variant is located in the A band of TTN (PMID: 25589632). Truncating variants in this region are significantly overrepresented in patients affected with dilated cardiomyopathy (PMID: 25589632). Truncating variants in this region have also been reported in individuals affected with autosomal recessive centronuclear myopathy (PMID: 23975875). In summary, the currently available evidence indicates that the variant is pathogenic, but additional data are needed to prove that conclusively. Therefore, this variant has been classified as Likely Pathogenic.

Ambry Genetics
Classification: Likely pathogenic for Cardiovascular phenotype. Last evaluated: 2024-07-22. Review status: criteria provided, single submitter. Criteria: Ambry Variant Classification Scheme 2023. Collection method: clinical testing. Allele origin: germline.
Comment: The c.63997delC (p.R21333Vfs*10) alteration, located in exon 163 (coding exon 162) of the TTN gene, consists of a deletion of one nucleotide at position 63997, causing a translational frameshift with a predicted alternate stop codon after 10 amino acids. This alteration is expected to result in loss of function by premature protein truncation or nonsense-mediated mRNA decay. This variant was not reported in population-based cohorts in the Genome Aggregation Database (gnomAD). This exon is located in the A-band region of the N2-B isoform of the titin protein and is constitutively expressed in TTN transcripts (percent spliced in or PSI 100%). Based on the available evidence, this alteration is classified as likely pathogenic.

Literature cited by the submitters: PubMed 25589632 (cited by Labcorp Genetics (formerly Invitae), Labcorp); PubMed 23975875 (cited by Labcorp Genetics (formerly Invitae), Labcorp).